The following is an entry in ClinVar:

NM_000719.7(CACNA1C):c.5893C>T (p.Pro1965Ser)

Genes: CACNA1C (calcium voltage-gated channel subunit alpha1 C; plus strand), CACNA1C-AS1 (CACNA1C antisense RNA 1; minus strand). Cytogenetic location: 12p13.33.
Variant type: single nucleotide variant.
Coding change: c.5893C>T on transcript NM_000719.7 (MANE Select); coding-DNA position 5893, C replaced by T.
Protein change: p.Pro1965Ser; replaces proline 1965 with serine.
Molecular consequence: missense variant.
Genome position (GRCh38, 1-based): chr12:2,688,555, C>T. VCF-style: chr12-2688555-C-T. GRCh37 (hg19) VCF-style: chr12-2797721-C-T.
Other names: c.6037C>T, p.Pro2013Ser (NM_001129827.2); c.6016C>T, p.Pro2006Ser (NM_001129829.2); c.5998C>T, p.Pro2000Ser (NM_001129830.3, NM_001167624.3); c.5977C>T, p.Pro1993Ser (NM_001129831.2); c.5953C>T, p.Pro1985Ser (NM_001129832.2); c.5950C>T, p.Pro1984Ser (NM_001129833.2, NM_001129834.2, NM_001129835.2); c.5944C>T, p.Pro1982Ser (NM_001129836.2); c.5917C>T, p.Pro1973Ser (NM_001129837.2, NM_001129838.2); and 6 more; short protein forms P2006S, P1962S, P1965S, P1973S, P1982S, P1984S, P1985S, P2013S.
Identifiers: ClinVar variation 1461735 (VCV001461735.8), dbSNP rs745417641, ClinGen allele CA383384363.
Genomic context (GRCh38, chr12:2,688,555, plus strand): 5'-CCTGCCTCATTCCCTAGGCCTTTTGCCACCCCACCAGCCACACCTGGCAGCCGAGGCTGG[C>T]CCCCACAGCCCGTCCCCACCCTGCGGCTTGAGGGGGTCGAGTCCAGTGAGAAACTCAACA-3'
Protein context (NP_000710.5, residues 1955-1975): PPATPGSRGW[Pro1965Ser]PQPVPTLRLE

ClinVar aggregate classification (germline): Uncertain significance (1 of 4 stars; one submission).

Conditions:
Long QT syndrome (LQTS). Identifiers: MedGen C0023976, MeSH D008133, MONDO:0002442. Disease mechanism: loss of function. Inheritance: Various modes of inheritance.

Submission:

Labcorp Genetics (formerly Invitae), Labcorp
Classification: Uncertain significance for Long QT syndrome. Last evaluated: 2021-04-16. Review status: criteria provided, single submitter. Criteria: Invitae Variant Classification Sherloc (09022015). Collection method: clinical testing. Allele origin: germline.
Comment: In summary, the available evidence is currently insufficient to determine the role of this variant in disease. Therefore, it has been classified as a Variant of Uncertain Significance. Algorithms developed to predict the effect of missense changes on protein structure and function (SIFT, PolyPhen-2, Align-GVGD) all suggest that this variant is likely to be tolerated, but these predictions have not been confirmed by published functional studies and their clinical significance is uncertain. This variant has not been reported in the literature in individuals with CACNA1C-related conditions. This variant is not present in population databases (ExAC no frequency). This sequence change replaces proline with serine at codon 1965 of the CACNA1C protein (p.Pro1965Ser). The proline residue is moderately conserved and there is a moderate physicochemical difference between proline and serine.